The following is an entry in ClinVar:

ClinVar aggregate classification (germline): Uncertain significance (1 of 4 stars; one submission).

Submission:

Labcorp Genetics (formerly Invitae), Labcorp
Classification: Uncertain significance. Last evaluated: 2025-09-29. Review status: criteria provided, single submitter. Criteria: Invitae Variant Classification Sherloc (09022015). Collection method: clinical testing. Allele origin: germline.
Comment: This sequence change replaces leucine, which is neutral and non-polar, with valine, which is neutral and non-polar, at codon 220 of the USB1 protein (p.Leu220Val). This variant is not present in population databases (gnomAD no frequency). This variant has not been reported in the literature in individuals affected with USB1-related conditions. ClinVar contains an entry for this variant (Variation ID: 2135146). Invitae Evidence Modeling of protein sequence and biophysical properties (such as structural, functional, and spatial information, amino acid conservation, physicochemical variation, residue mobility, and thermodynamic stability) indicates that this missense variant is not expected to disrupt USB1 protein function with a negative predictive value of 80%. In summary, the available evidence is currently insufficient to determine the role of this variant in disease. Therefore, it has been classified as a Variant of Uncertain Significance.

NM_024598.4(USB1):c.658C>G (p.Leu220Val)

Gene: USB1 (U6 snRNA biogenesis phosphodiesterase 1; plus strand). Cytogenetic location: 16q21.
Variant type: single nucleotide variant.
Coding change: c.658C>G on transcript NM_024598.4 (MANE Select); coding-DNA position 658, C replaced by G.
Protein change: p.Leu220Val; replaces leucine 220 with valine.
Molecular consequence: missense variant.
Genome position (GRCh38, 1-based): chr16:58,019,020, C>G. VCF-style: chr16-58019020-C-G. GRCh37 (hg19) VCF-style: chr16-58052924-C-G.
Other names: c.604C>G, p.Leu202Val (NM_001195302.2); c.505C>G, p.Leu169Val (NM_001330568.2); short protein forms L202V, L220V, L169V.
Identifiers: ClinVar variation 2135146 (VCV002135146.4), dbSNP rs1254413592, ClinGen allele CA396130193.
Genomic context (GRCh38, chr16:58,019,020, plus strand): 5'-TTCCCTCCCCAGGATCCTTCTTTCCACCTCAGCCTGGCCTGGTGTGTGGGTGATGCACGT[C>G]TCCAGCTGGAGGGGCAGTGCCTGCAGGAACTACAGGTGAATTTCCAGGGCGGGAGCACAG-3'
Protein context (NP_078874.2, residues 210-230): SLAWCVGDAR[Leu220Val]QLEGQCLQEL